The following is an entry in ClinVar:

NC_000016.9:g.(?_21964745)_(21994492_?)del

Gene: UQCRC2 (ubiquinol-cytochrome c reductase core protein 2). Cytogenetic location: 16p12.2.
Variant type: Deletion.
Identifiers: ClinVar variation 1472476 (VCV001472476.4).

ClinVar aggregate classification (germline): Uncertain significance (1 of 4 stars; one submission).

Submission:

Labcorp Genetics (formerly Invitae), Labcorp
Classification: Uncertain significance. Last evaluated: 2022-05-30. Review status: criteria provided, single submitter. Criteria: Invitae Variant Classification Sherloc (09022015). Collection method: clinical testing. Allele origin: germline.
Comment: A gross deletion of the genomic region encompassing the full coding sequence of the UQCRC2 gene has been identified. The current clinical and genetic evidence is not sufficient to establish whether loss-of-function variants in UQCRC2 cause disease. The boundaries of this event are unknown as they extend beyond the assayed region for this gene and therefore may encompass additional genes. This variant has not been reported in the literature in individuals affected with UQCRC2-related conditions. In summary, the available evidence is currently insufficient to determine the role of this variant in disease. Therefore, it has been classified as a Variant of Uncertain Significance.